The following is an entry in ClinVar:

NM_032634.4(PIGO):c.54C>T (p.Tyr18=)

Gene: PIGO (phosphatidylinositol glycan anchor biosynthesis class O; minus strand). Cytogenetic location: 9p13.3.
Variant type: single nucleotide variant.
Coding change: c.54C>T on transcript NM_032634.4 (MANE Select); coding-DNA position 54, C replaced by T.
Protein change: p.Tyr18=; no amino-acid change (tyrosine 18 retained).
Molecular consequence: synonymous variant.
Genome position (GRCh38, 1-based): chr9:35,095,512, G>A on the plus strand (C>T on the coding strand, the complement: PIGO is on the minus strand). VCF-style: chr9-35095512-G-A. GRCh37 (hg19) VCF-style: chr9-35095509-G-A.
Other names: c.54C>T, p.Tyr18= (NM_001201484.2, NM_152850.4).
Identifiers: ClinVar variation 512953 (VCV000512953.10), dbSNP rs773054712, ClinGen allele CA5041016.

ClinVar aggregate classification (germline): Likely benign. Review status: criteria provided, multiple submitters, no conflicts (2 of 4 stars). 2 submissions from 2 submitters: Likely benign (2). Last evaluated 2025-12-08.

Conditions:
Hyperphosphatasia with impaired intellectual development syndrome 2. Also called: GLYCOSYLPHOSPHATIDYLINOSITOL BIOSYNTHESIS DEFECT 6; Hyperphosphatasia with intellectual disability syndrome 2. Identifiers: Orphanet 247262, MedGen C3553637, MONDO:0013882, OMIM 614749.

Allele frequency attached by ClinVar (database versions not stated): gnomAD exomes 0.00008 and 0.00001; gnomAD 0.00003; 1000 Genomes Project 30x 0.00016; ExAC 0.00003; TOPMed 0.00005.
gnomAD v4.1: 20 of 1,607,944 alleles (0.0012%); highest among the groups gnomAD compares: East Asian, 0.031%; no homozygotes.

Submissions (2):

Labcorp Genetics (formerly Invitae), Labcorp
Classification: Likely benign for Hyperphosphatasia with impaired intellectual development syndrome 2. Last evaluated: 2025-12-08. Review status: criteria provided, single submitter. Criteria: Invitae Variant Classification Sherloc (09022015). Collection method: clinical testing. Allele origin: germline.

GeneDx
Classification: Likely benign. Last evaluated: 2017-10-26. Review status: criteria provided, single submitter. Criteria: GeneDx Variant Classification (06012015). Collection method: clinical testing. Allele origin: germline. Affected: yes.
Comment: This variant is considered likely benign or benign based on one or more of the following criteria: it is a conservative change, it occurs at a poorly conserved position in the protein, it is predicted to be benign by multiple in silico algorithms, and/or has population frequency not consistent with disease.